The following is an entry in ClinVar:

NM_001005361.3(DNM2):c.2180A>G (p.His727Arg)

Gene: DNM2 (dynamin 2; plus strand). Cytogenetic location: 19p13.2.
Variant type: single nucleotide variant.
Coding change: c.2180A>G on transcript NM_001005361.3 (MANE Select); coding-DNA position 2180, A replaced by G.
Protein change: p.His727Arg; replaces histidine 727 with arginine.
Molecular consequence: missense variant.
Genome position (GRCh38, 1-based): chr19:10,829,157, A>G. VCF-style: chr19-10829157-A-G. GRCh37 (hg19) VCF-style: chr19-10939833-A-G.
Other names: c.2180A>G, p.His727Arg (NM_001005360.3, NM_001190716.2); c.2168A>G, p.His723Arg (NM_001005362.3, NM_004945.4); short protein forms H723R, H727R.
Identifiers: ClinVar variation 1906854 (VCV001906854.6), dbSNP rs1334633159, ClinGen allele CA404042953.

ClinVar aggregate classification (germline): Uncertain significance. Review status: criteria provided, multiple submitters, no conflicts (2 of 4 stars). 2 submissions from 2 submitters: Uncertain significance (2). Last evaluated 2025-06-03.

Conditions:
Inborn genetic diseases. Identifiers: MedGen C0950123, MeSH D030342.
Charcot-Marie-Tooth disease dominant intermediate B (CMTDIB). Also called: CHARCOT-MARIE-TOOTH NEUROPATHY, DOMINANT INTERMEDIATE B; Charcot-Marie-Tooth disease dominant intermediate 1; CMT DI1; Charcot-Marie-Tooth disease dominant intermediate I. Identifiers: Orphanet 100044, Orphanet 228179, MedGen C1847902, MONDO:0011674, OMIM 606482.

Allele frequency attached by ClinVar (database versions not stated): gnomAD exomes below 0.00001; TOPMed below 0.00001; gnomAD 0.00001.
gnomAD v4.1: 3 of 1,613,906 alleles (0.00019%); highest among the groups gnomAD compares: Non-Finnish European, 0.00025%; no homozygotes.

Submissions (2):

Ambry Genetics
Classification: Uncertain significance for Inborn genetic diseases. Last evaluated: 2025-06-03. Review status: criteria provided, single submitter. Criteria: Ambry Variant Classification Scheme 2023. Collection method: clinical testing. Allele origin: germline.

Labcorp Genetics (formerly Invitae), Labcorp
Classification: Uncertain significance for Charcot-Marie-Tooth disease dominant intermediate B. Last evaluated: 2025-01-22. Review status: criteria provided, single submitter. Criteria: Invitae Variant Classification Sherloc (09022015). Collection method: clinical testing. Allele origin: germline.
Comment: This sequence change replaces histidine, which is basic and polar, with arginine, which is basic and polar, at codon 727 of the DNM2 protein (p.His727Arg). This variant is present in population databases (no rsID available, gnomAD 0.0009%). This variant has not been reported in the literature in individuals affected with DNM2-related conditions. ClinVar contains an entry for this variant (Variation ID: 1906854). Invitae Evidence Modeling of protein sequence and biophysical properties (such as structural, functional, and spatial information, amino acid conservation, physicochemical variation, residue mobility, and thermodynamic stability) indicates that this missense variant is not expected to disrupt DNM2 protein function with a negative predictive value of 95%. In summary, the available evidence is currently insufficient to determine the role of this variant in disease. Therefore, it has been classified as a Variant of Uncertain Significance.